The following is an entry in ClinVar:

ClinVar aggregate classification (germline): Likely benign (0 of 4 stars; one submission).

Conditions:
CFDP1-related disorder. Also called: CFDP1-related condition.

Allele frequency attached by ClinVar (database versions not stated): 1000 Genomes Project 30x 0.00016; 1000 Genomes Project 0.00020; TOPMed 0.00139; gnomAD 0.00161; ESP Exome Variant Server 0.00192; ExAC 0.00239.
gnomAD v4.1: 3,744 of 1,602,088 alleles (0.23%); highest among the groups gnomAD compares: Non-Finnish European, 0.29%; 9 homozygotes.

Submission:

PreventionGenetics, part of Exact Sciences
Classification: Likely benign for CFDP1-related condition. Last evaluated: 2023-01-19. Review status: no assertion criteria provided. Collection method: clinical testing. Allele origin: germline.
Comment: This variant is classified as likely benign based on ACMG/AMP sequence variant interpretation guidelines (Richards et al. 2015 PMID: 25741868, with internal and published modifications).

NM_006324.3(CFDP1):c.28T>C (p.Ser10Pro)

Gene: CFDP1 (craniofacial development protein 1; minus strand). Cytogenetic location: 16q23.1.
Variant type: single nucleotide variant.
Coding change: c.28T>C on transcript NM_006324.3 (MANE Select); coding-DNA position 28, T replaced by C.
Protein change: p.Ser10Pro; replaces serine 10 with proline.
Molecular consequence: missense variant.
Genome position (GRCh38, 1-based): chr16:75,433,325, A>G on the plus strand (T>C on the coding strand, the complement: CFDP1 is on the minus strand). VCF-style: chr16-75433325-A-G. GRCh37 (hg19) VCF-style: chr16-75467223-A-G.
Other names: short protein forms S10P.
Identifiers: ClinVar variation 3052999 (VCV003052999.2), dbSNP rs75511445, ClinGen allele CA8175006.